The following is an entry in ClinVar:

NM_005530.3(IDH3A):c.26A>G (p.Lys9Arg)

Genes: IDH3A (isocitrate dehydrogenase (NAD(+)) 3 catalytic subunit alpha; plus strand), LOC130057684 (ATAC-STARR-seq lymphoblastoid silent region 6706; plus strand). Cytogenetic location: 15q25.1.
Variant type: single nucleotide variant.
Coding change: c.26A>G on transcript NM_005530.3 (MANE Select); coding-DNA position 26, A replaced by G.
Protein change: p.Lys9Arg; replaces lysine 9 with arginine.
Molecular consequence: missense variant.
Genome position (GRCh38, 1-based): chr15:78,149,429, A>G. VCF-style: chr15-78149429-A-G. GRCh37 (hg19) VCF-style: chr15-78441771-A-G.
Other names: c.26A>G (NM_005530.2); short protein forms K9R.
Identifiers: ClinVar variation 1346201 (VCV001346201.5), dbSNP rs754172541, ClinGen allele CA7680436.

ClinVar aggregate classification (germline): Uncertain significance. Review status: criteria provided, multiple submitters, no conflicts (2 of 4 stars). 2 submissions from 2 submitters: Uncertain significance (2). Last evaluated 2024-01-09.

Allele frequency attached by ClinVar (database versions not stated): gnomAD exomes 0.00001 and 0.00006; ExAC 0.00010.
gnomAD v4.1: 11 of 1,545,154 alleles (0.00071%); highest among the groups gnomAD compares: Admixed American, 0.015%; no homozygotes.

Submissions (2):

Ambry Genetics
Classification: Uncertain significance. Last evaluated: 2024-01-09. Review status: criteria provided, single submitter. Criteria: Ambry Variant Classification Scheme 2023. Collection method: clinical testing. Allele origin: germline.

Labcorp Genetics (formerly Invitae), Labcorp
Classification: Uncertain significance. Last evaluated: 2023-10-13. Review status: criteria provided, single submitter. Criteria: Invitae Variant Classification Sherloc (09022015). Collection method: clinical testing. Allele origin: germline.
Comment: This sequence change replaces lysine, which is basic and polar, with arginine, which is basic and polar, at codon 9 of the IDH3A protein (p.Lys9Arg). This variant is present in population databases (rs754172541, gnomAD 0.02%). This variant has not been reported in the literature in individuals affected with IDH3A-related conditions. ClinVar contains an entry for this variant (Variation ID: 1346201). An algorithm developed to predict the effect of missense changes on protein structure and function (PolyPhen-2) suggests that this variant¬†is likely to be tolerated. In summary, the available evidence is currently insufficient to determine the role of this variant in disease. Therefore, it has been classified as a Variant of Uncertain Significance.